The following is an entry in ClinVar:

ClinVar aggregate classification (germline): Conflicting classifications of pathogenicity. Review status: criteria provided, conflicting classifications (1 of 4 stars). 9 submissions from 9 submitters: Pathogenic (2); Likely pathogenic (3); Uncertain significance (3). 1 of the submissions does not count toward it. Last evaluated 2026-03-04.

Conditions:
PROK2-related disorder. Also called: PROK2-related condition.
Hypogonadotropic hypogonadism. Also called: Hypogonadotropic hypogonadism with or without anosmia; Low gonadotropins (secondary hypogonadism); Hypogonadotrophic hypogonadism; Isolated hypogonadotropic hypogonadism. Identifiers: Orphanet 432, MedGen C0271623, MONDO:0018555, HP:0000044.
Hypogonadotropic hypogonadism 4 with or without anosmia (HH4). Also called: PROK2-Related GnRH Deficiency (Kallmann Syndrome 4); HYPOGONADOTROPIC HYPOGONADISM 4 WITH ANOSMIA; KAL4. Identifiers: Orphanet 478, MedGen C3552343, MONDO:0012528, OMIM 610628.

Allele frequency attached by ClinVar (database versions not stated): TOPMed 0.00002; gnomAD 0.00006 and 0.00005; ExAC 0.00007.

Submissions (9):

PreventionGenetics, part of Exact Sciences
Classification: Likely pathogenic for PROK2-related condition. Last evaluated: 2026-03-04. Review status: criteria provided, single submitter. Criteria: ACMG Guidelines, 2015. Collection method: clinical testing. Allele origin: germline.
Comment: The PROK2 c.217C>T variant is predicted to result in the amino acid substitution p.Arg73Cys. This variant has been reported in the heterozygous state in individuals with Kallmann syndrome (KS) or normosmic idiopathic hypogonadotropic hypogonadism (nIHH) (Dodé et al. 2006. PubMed ID: 17054399; Sarfati J. et al. 2010. PubMed ID: 20022991; Cole et al. 2008. PubMed ID: 18559922), in the homozygous state in individuals with KS (Leroy et al. 2008. PubMed ID: 18285834; Table S1, Mao et al. 2015. PubMed ID: 26141714; Sarfati J. et al. 2010. PubMed ID: 20022991), and in the compound heterozygous state in an individual with nIHH (Ciftci N. et al. 2023. PubMed ID: 36700485). Functional studies demonstrate a loss-of-function effect, indicated by a 7-fold reduction in intracellular calcium mobilization (Cole et al. 2008. PubMed ID: 18559922). This variant is reported in 0.039% of alleles in individuals of South Asian descent in gnomAD. This variant has conflicting classifications in ClinVar ranging from uncertain to likely pathogenic (ClinVar ID: 3604). An alternate missense at the same amino acid position, p.Arg73His, has been reported in an individual with nIHH (Table S1, Shaw et al 2011. PubMed ID: 21209029). This variant is interpreted as likely pathogenic.

NHS Central & South Genomic Laboratory Hub
Classification: Uncertain significance for Hypogonadotropic hypogonadism. Last evaluated: 2025-12-08. Review status: criteria provided, single submitter. Criteria: ACMG Guidelines, 2015. Collection method: clinical testing. Allele origin: germline. Affected: yes.

Clinical Genetics Laboratory, Region Ostergotland
Classification: Likely pathogenic for Hypogonadotropic hypogonadism 4 with or without anosmia. Last evaluated: 2025-06-11. Review status: criteria provided, single submitter. Criteria: ACMG Guidelines, 2015. Collection method: clinical testing. Allele origin: germline. Affected: yes.
Comment: The following ACMG/AMP criteria were applied in classifying this variant: PS3, PP3, PP4

GeneDx
Classification: Likely pathogenic. Last evaluated: 2024-08-31. Review status: criteria provided, single submitter. Criteria: GeneDx Variant Classification Process June 2021. Collection method: clinical testing. Allele origin: germline. Affected: yes.
Comment: Reported as a single heterozygous variant in patients with primary amehorrhea or Kallman syndrome; however, this variant has also been reported in unaffected relatives (PMID: 17054399, 37988663, 29298845; Ozbek et al., 2014); In silico analysis supports that this missense variant has a deleterious effect on protein structure/function; Published functional studies demonstrate that this variant decreases the activity of the PROK2 protein (PMID: 18559922); This variant is associated with the following publications: (PMID: 18285834, 30024674, 17054399, 26141714, 34426522, 31589614, 19707180, 37684054, 37988663, 36700485, 23596439, 29298845, 18559922)

Genetics and Genomic Medicine Centre, NeuroGen Healthcare, NeuroGen Healthcare
Classification: Pathogenic for Hypogonadotropic hypogonadism 4 with or without anosmia. Last evaluated: 2021-09-23. Review status: criteria provided, single submitter. Criteria: Submitter's publication. Collection method: clinical testing. Allele origin: unknown. Affected: no.

Labcorp Genetics (formerly Invitae), Labcorp
Classification: Uncertain significance. Last evaluated: 2021-09-19. Review status: criteria provided, single submitter. Criteria: Invitae Variant Classification Sherloc (09022015). Collection method: clinical testing. Allele origin: germline.
Comment: ClinVar contains an entry for this variant (Variation ID: 3604). This sequence change replaces arginine with cysteine at codon 73 of the PROK2 protein (p.Arg73Cys). The arginine residue is highly conserved and there is a large physicochemical difference between arginine and cysteine. This variant is present in population databases (rs121434272, ExAC 0.02%). This missense change has been observed in individuals with clinical features of Kallman syndrome (PMID: 17054399, 18285834, 18559922, 26141714). Algorithms developed to predict the effect of missense changes on protein structure and function (SIFT, PolyPhen-2, Align-GVGD) all suggest that this variant is likely to be disruptive. Experimental studies have shown that this missense change affects PROK2 function (PMID: 18559922). In summary, the available evidence is currently insufficient to determine the role of this variant in disease. Therefore, it has been classified as a Variant of Uncertain Significance.

Genomic Research Center, Shahid Beheshti University of Medical Sciences
Classification: Pathogenic for Hypogonadotropic hypogonadism 4 with or without anosmia. Last evaluated: 2017-12-18. Review status: criteria provided, single submitter. Criteria: ACMG Guidelines, 2015. Collection method: clinical testing. Allele origin: inherited. Affected: yes.

Juno Genomics, Hangzhou Juno Genomics, Inc
Classification: Uncertain significance for Hypogonadotropic hypogonadism 4 with or without anosmia. Review status: criteria provided, single submitter. Criteria: ACMG Guidelines, 2015. Collection method: clinical testing. Allele origin: germline.
Comment: Absent from controls (or at extremely low frequency if recessive) in Genome Aggregation Database.;Multiple lines of computational evidence support a deleterious effect on the gene or gene product.;The prevalence of the variant in affected individuals is significantly increased compared to the prevalence in controls.

OMIM
Classification: Pathogenic for HYPOGONADOTROPIC HYPOGONADISM 4 WITH OR WITHOUT ANOSMIA. Last evaluated: 2008-09-01. Review status: no assertion criteria provided. Collection method: literature only. Allele origin: germline. Not counted in ClinVar's aggregate classification.

Literature cited by the submitters: PubMed 18559922 (cited by 3 submitters); PubMed 17054399 (cited by Labcorp Genetics (formerly Invitae), Labcorp and OMIM); PubMed 18285834 (cited by Labcorp Genetics (formerly Invitae), Labcorp and OMIM); PubMed 26141714 (cited by Labcorp Genetics (formerly Invitae), Labcorp).

NM_001126128.2(PROK2):c.217C>T (p.Arg73Cys)

Gene: PROK2 (prokineticin 2; minus strand). Cytogenetic location: 3p13.
Variant type: single nucleotide variant.
Coding change: c.217C>T on transcript NM_001126128.2 (MANE Select); coding-DNA position 217, C replaced by T.
Protein change: p.Arg73Cys; replaces arginine 73 with cysteine.
Molecular consequence: missense variant.
Genome position (GRCh38, 1-based): chr3:71,781,472, G>A on the plus strand (C>T on the coding strand, the complement: PROK2 is on the minus strand). VCF-style: chr3-71781472-G-A. GRCh37 (hg19) VCF-style: chr3-71830623-G-A.
Other names: c.217C>T, p.Arg73Cys (NM_021935.4); c.217C>T (NM_001126128.1); short protein forms R73C.
Identifiers: ClinVar variation 3604 (VCV000003604.16), dbSNP rs121434272, ClinGen allele CA252842.